The following is an entry in ClinVar:

NM_000051.4(ATM):c.1479del (p.Gly494fs)

Gene: ATM (ATM serine/threonine kinase; plus strand). Cytogenetic location: 11q22.3.
Variant type: Deletion.
Coding change: c.1479del on transcript NM_000051.4 (MANE Select); coding-DNA position 1479, one base deleted (T; older notation c.1479delT).
Protein change: p.Gly494fs; shifts the reading frame from glycine 494.
Molecular consequence: frameshift variant.
Genome position (GRCh38, 1-based): chr11:108,250,944, T deleted. VCF-style (leftmost placement, unchanged base first): chr11-108250943-GT-G. GRCh37 (hg19) VCF-style: chr11-108121670-GT-G.
Other names: c.1479del, p.Gly494fs (NM_001351834.2); short protein forms G494fs.
Identifiers: ClinVar variation 2708435 (VCV002708435.4), dbSNP rs2497248342, ClinGen allele CA2697548999.

ClinVar aggregate classification (germline): Pathogenic. Review status: criteria provided, multiple submitters, no conflicts (2 of 4 stars). 3 submissions from 3 submitters: Pathogenic (3). Last evaluated 2024-01-16.

Conditions:
Hereditary cancer-predisposing syndrome. Also called: Neoplastic Syndromes, Hereditary; Hereditary neoplastic syndrome; Tumor predisposition; Hereditary Cancer Syndrome. Identifiers: Orphanet 140162, MedGen C0027672, MeSH D009386, MONDO:0015356.
Ataxia-telangiectasia syndrome (AT). Also called: ATAXIA-TELANGIECTASIA, COMPLEMENTATION GROUP A; ATAXIA-TELANGIECTASIA, FRESNO VARIANT; Ataxia-telangiectasia, complementation group D; LOUIS-BAR SYNDROME; AT, COMPLEMENTATION GROUP C; Ataxia-telangiectasia. Identifiers: Orphanet 100, MedGen C0004135, MONDO:0008840, OMIM 208900.
Familial cancer of breast. Also called: BREAST CANCER, FAMILIAL; Hereditary breast cancer; hereditary breast carcinoma. Identifiers: Orphanet 227535, MedGen C0346153, MONDO:0016419, OMIM 114480. Disease mechanism: loss of function.

Submissions (3):

Myriad Genetics, Inc.
Classification: Pathogenic for Familial cancer of breast. Last evaluated: 2024-01-16. Review status: criteria provided, single submitter. Criteria: Myriad Autosomal Dominant, Autosomal Recessive and X-Linked Classification Criteria (2023). Collection method: clinical testing. Allele origin: unknown.
Comment: This variant is considered pathogenic. This variant creates a frameshift predicted to result in premature protein truncation.

Labcorp Genetics (formerly Invitae), Labcorp
Classification: Pathogenic for Ataxia-telangiectasia syndrome. Last evaluated: 2024-01-09. Review status: criteria provided, single submitter. Criteria: Invitae Variant Classification Sherloc (09022015). Collection method: clinical testing. Allele origin: germline.
Comment: This sequence change creates a premature translational stop signal (p.Gly494Valfs*2) in the ATM gene. It is expected to result in an absent or disrupted protein product. Loss-of-function variants in ATM are known to be pathogenic (PMID: 23807571, 25614872). This variant is not present in population databases (gnomAD no frequency). This variant has not been reported in the literature in individuals affected with ATM-related conditions. For these reasons, this variant has been classified as Pathogenic.

Ambry Genetics
Classification: Pathogenic for Hereditary cancer-predisposing syndrome. Last evaluated: 2023-11-28. Review status: criteria provided, single submitter. Criteria: Ambry Variant Classification Scheme 2023. Collection method: clinical testing. Allele origin: germline.
Comment: The c.1479delT pathogenic mutation, located in coding exon 9 of the ATM gene, results from a deletion of one nucleotide at nucleotide position 1479, causing a translational frameshift with a predicted alternate stop codon (p.G494Vfs*2). This variant is considered to be rare based on population cohorts in the Genome Aggregation Database (gnomAD). This alteration is expected to result in loss of function by premature protein truncation or nonsense-mediated mRNA decay. As such, this alteration is interpreted as a disease-causing mutation.

Literature cited by the submitters: PubMed 23807571 (cited by Labcorp Genetics (formerly Invitae), Labcorp); PubMed 25614872 (cited by Labcorp Genetics (formerly Invitae), Labcorp).